The following is an entry in ClinVar:

ClinVar aggregate classification (germline): Pathogenic (0 of 4 stars; one submission).

Conditions:
Steinert myotonic dystrophy syndrome (DM1). Also called: STEINERT DISEASE; Myotonic dystrophy type 1; Dystrophia myotonica type 1; Steinert myotonic dystrophy; Steinert's disease. Identifiers: Orphanet 273, MedGen C3250443, MONDO:0008056, OMIM 160900.

Submission:

Institute of Molecular, Cell and Systems Biology, University of Glasgow
Classification: Pathogenic for Steinert myotonic dystrophy syndrome. Review status: no assertion criteria provided. Criteria: research. Collection method: research. Allele origin: germline. Inheritance: Autosomal dominant inheritance. Affected: no. Observed: 1 heterozygote.
Comment: DMPK CTG repeat expansions greater than approximately 45-50 repeats are assumed to be pathogenic

This record is based on data published in PubMed 25052313, which reports only ClinVar accessions SCV000120188 and SCV000120189. The complete data set includes SCV000207445 - SCV000207579.

Literature cited by the submitters: PubMed 1346923; PubMed 1546326; PubMed 25052313.

NM_004409.5(DMPK):c.*224CTG[169]

Genes: DM1-AS (DM1 locus antisense RNA; plus strand), DMPK (DM1 protein kinase; minus strand), LOC107075317 (origin of replication in DMPK trinucleotide repeat region; plus strand), LOC109461477 (dystrophia myotonica protein kinase repeat instability region; plus strand). Cytogenetic location: 19q13.32.
Variant type: Microsatellite.
Coding change: c.*224CTG[169] on transcript NM_004409.5 (MANE Select); 169 copies in a row of the 3-base unit CTG starting at c.*224.
Molecular consequence: 3 prime UTR variant.
Genome position: GRCh38, VCF-style position (the base before the change): chr19:45,770,204. GRCh37 (hg19), VCF-style position (the base before the change): chr19:46,273,462.
Other names: DM1 CTG repeat expansion; c.*224CTG[169] (NM_001081560.3, NM_001424165.1, NM_001288764.2 and 1 more transcripts); c.*369CTG[169] (NM_001288766.2, NM_001424164.1, NM_001424168.1); c.*217CTG[169] (NM_001424162.1, NM_001424163.1, NM_001081562.3 and 2 more transcripts); c.*222_*224TGC[169] (NM_001081563.3).
Identifiers: ClinVar variation 187930 (VCV000187930.1), ClinGen allele CA915951725.